The following is an entry in ClinVar:

NM_001144888.2(BAIAP2):c.1535+1763T>G

Gene: BAIAP2 (BAR/IMD domain containing adaptor protein 2; plus strand). Cytogenetic location: 17q25.3.
Variant type: single nucleotide variant.
Coding change: c.1535+1763T>G on transcript NM_001144888.2 (MANE Select); 1763 bases into the intron after coding-DNA position 1535, T replaced by G.
Molecular consequence: intron variant. On other transcripts: 3 prime UTR variant (16), non-coding transcript variant (4).
Genome position (GRCh38, 1-based): chr17:81,110,272, T>G. VCF-style: chr17-81110272-T-G. GRCh37 (hg19) VCF-style: chr17-79084072-T-G.
Other names: c.*947T>G (NM_001385131.1); c.*198T>G (NM_001385132.1, NM_001385139.1); c.*1274T>G (NM_001385133.1, NM_001385134.1, NM_001385137.1 and 9 more transcripts); c.*1309T>G (NM_001385146.1); c.1634+1763T>G (NM_001385129.1, NM_001385130.1); c.1536-642T>G (NM_006340.3, NM_001385128.1); c.1535+1763T>G (NM_017451.3, NM_001385127.1); c.1638-642T>G (NM_001385135.1); and 9 more.
Identifiers: ClinVar variation 2507409 (VCV002507409.1), dbSNP rs4072588, ClinGen allele CA8827273.

ClinVar aggregate classification (germline): Uncertain significance (1 of 4 stars; one submission).

Conditions:
Attention deficit hyperactivity disorder (ADHD). Also called: Attention-Deficit/Hyperactivity Disorder. Identifiers: MedGen C1263846, MONDO:0007743, HP:0007018.

Allele frequency attached by ClinVar (database versions not stated): TOPMed 0.78273; 1000 Genomes Project 30x 0.81340; ExAC 0.78354; 1000 Genomes Project 0.81270.
gnomAD v4.1: 740,528 of 985,700 alleles (75%); highest among the groups gnomAD compares: East Asian, 86%; 278,789 homozygotes.

Submission:

Clinical Genomics, Uppaluri K&H Personalized Medicine Clinic
Classification: Uncertain significance for Attention deficit hyperactivity disorder. Review status: criteria provided, single submitter. Criteria: K &amp; H Uppaluri Personalized Medicine Clinic Variant Classification &amp; Assertion Criteria_Updated V.1. Collection method: clinical testing. Allele origin: germline. Affected: yes. Observed: 1 homozygote.
Comment: Gene Variants in BAIAP2 have been studied in several populations and are known to cause ADHD. Potent variants of this gene prevent neuronal growth, maturation and survival, essential for proper functioning of frontal cortical and subcortical circuits. However, more clinical evidence is required to confer the association of this particular variant rs4072588 with Attention-deficit hyperactivity disorder.

Literature cited by the submitters: PubMed 24377651; PubMed 19733838; PubMed 27217152.